The following is an entry in ClinVar:

ClinVar aggregate classification (germline): Conflicting classifications of pathogenicity. Review status: criteria provided, conflicting classifications (1 of 4 stars). 3 submissions from 3 submitters: Uncertain significance (1); Likely benign (2). Last evaluated 2025-06-27.

Conditions:
Hereditary cancer-predisposing syndrome. Also called: Neoplastic Syndromes, Hereditary; Tumor predisposition; Hereditary Cancer Syndrome; Hereditary neoplastic syndrome. Identifiers: Orphanet 140162, MedGen C0027672, MeSH D009386, MONDO:0015356.

gnomAD v4.1: 3 of 1,594,842 alleles (0.00019%); highest among the groups gnomAD compares: Non-Finnish European, 0.00026%; no homozygotes.

Submissions (3):

Ambry Genetics
Classification: Likely benign for Hereditary cancer-predisposing syndrome. Last evaluated: 2025-06-27. Review status: criteria provided, single submitter. Criteria: Ambry Variant Classification Scheme 2023. Collection method: clinical testing. Allele origin: germline.

University of Washington Department of Laboratory Medicine, University of Washington
Classification: Likely benign for Hereditary cancer-predisposing syndrome. Last evaluated: 2023-03-23. Review status: criteria provided, single submitter. Criteria: Dines et al. (Genet Med. 2020). Collection method: curation. Allele origin: germline.
Comment: Missense variant in a coldspot region where missense variants are very unlikely to be pathogenic (PMID:31911673).

BRCA2 exon 11 coldspot. Reclassification based on statistical prior probability.

Color Diagnostics, LLC DBA Color Health
Classification: Uncertain significance for Hereditary cancer-predisposing syndrome. Last evaluated: 2019-11-18. Review status: criteria provided, single submitter. Criteria: ACMG Guidelines, 2015. Collection method: clinical testing. Allele origin: germline.
Comment: This missense variant replaces cysteine with glycine at codon 1081 of the BRCA2 protein. Computational prediction tool suggests that this variant may not impact protein structure and function (internally defined REVEL score threshold ≤0.5, PMID: 27666373). Splice site prediction tools suggest that this variant may not impact RNA splicing. To our knowledge, functional studies have not been performed for this variant. This variant has not been reported in individuals affected with hereditary cancer in the literature. This variant has not been identified in the general population by the Genome Aggregation Database (gnomAD). The available evidence is insufficient to determine the role of this variant in disease conclusively. Therefore, this variant is classified as a Variant of Uncertain Significance.

NM_000059.4(BRCA2):c.3241T>G (p.Cys1081Gly)

Gene: BRCA2 (BRCA2 DNA repair associated; plus strand). Cytogenetic location: 13q13.1.
Variant type: single nucleotide variant.
Coding change: c.3241T>G on transcript NM_000059.4 (MANE Select); coding-DNA position 3241, T replaced by G.
Protein change: p.Cys1081Gly; replaces cysteine 1081 with glycine.
Molecular consequence: missense variant.
Genome position (GRCh38, 1-based): chr13:32,337,596, T>G. VCF-style: chr13-32337596-T-G. GRCh37 (hg19) VCF-style: chr13-32911733-T-G.
Other names: short protein forms C1081G.
Identifiers: ClinVar variation 924701 (VCV000924701.8), dbSNP rs1555283117, ClinGen allele CA387775944.
Genomic context (GRCh38, chr13:32,337,596, plus strand): 5'-AAGCCTCAGTCAATTAATACTGTATCTGCACATTTACAGAGTAGTGTAGTTGTTTCTGAT[T>G]GTAAAAATAGTCATATAACCCCTCAGATGTTATTTTCCAAGCAGGATTTTAATTCAAACC-3'
Protein context (NP_000050.3, residues 1071-1091): HLQSSVVVSD[Cys1081Gly]KNSHITPQML